The following is an entry in ClinVar:

NM_001258392.3(CLPB):c.190T>C (p.Ser64Pro)

Genes: CLPB (ClpB family mitochondrial disaggregase; minus strand), LOC130006336 (ATAC-STARR-seq lymphoblastoid active region 5191; plus strand). Cytogenetic location: 11q13.4.
Variant type: single nucleotide variant.
Coding change: c.190T>C on transcript NM_001258392.3 (MANE Select); coding-DNA position 190, T replaced by C.
Protein change: p.Ser64Pro; replaces serine 64 with proline.
Molecular consequence: missense variant. On other transcripts: 5 prime UTR variant (1).
Genome position (GRCh38, 1-based): chr11:72,434,285, A>G on the plus strand (T>C on the coding strand, the complement: CLPB is on the minus strand). VCF-style: chr11-72434285-A-G. GRCh37 (hg19) VCF-style: chr11-72145329-A-G.
Other names: c.190T>C, p.Ser64Pro (NM_001258393.3, NM_030813.6); c.-53T>C (NM_001258394.3); short protein forms S64P.
Identifiers: ClinVar variation 5002330 (VCV005002330.1).

ClinVar aggregate classification (germline): Uncertain significance (1 of 4 stars; one submission).

Conditions:
CLPB-related disorder. Also called: CLPB-related condition.

Submission:

PreventionGenetics, part of Exact Sciences
Classification: Uncertain significance for CLPB-related condition. Last evaluated: 2025-01-29. Review status: criteria provided, single submitter. Criteria: ACMG Guidelines, 2015. Collection method: clinical testing. Allele origin: germline.
Comment: The CLPB c.190T>C variant is predicted to result in the amino acid substitution p.Ser64Pro. To our knowledge, this variant has not been reported in the literature or in a large population database (gnomAD), indicating this variant is rare. At this time, the clinical significance of this variant is uncertain due to the absence of conclusive functional and genetic evidence.